The following is an entry in ClinVar:

NM_018136.5(ASPM):c.9636+88T>C

Gene: ASPM (assembly factor for spindle microtubules; minus strand). Cytogenetic location: 1q31.3.
Variant type: single nucleotide variant.
Coding change: c.9636+88T>C on transcript NM_018136.5 (MANE Select); 88 bases into the intron after coding-DNA position 9636, T replaced by C.
Molecular consequence: intron variant.
Genome position (GRCh38, 1-based): chr1:197,090,762, A>G on the plus strand (T>C on the coding strand, the complement: ASPM is on the minus strand). VCF-style: chr1-197090762-A-G. GRCh37 (hg19) VCF-style: chr1-197059892-A-G.
Other names: c.4881+88T>C (NM_001206846.2).
Identifiers: ClinVar variation 673923 (VCV000673923.2), dbSNP rs10754214, ClinGen allele CA16075648.
Genomic context (GRCh38, chr1:197,090,762, plus strand): 5'-AAATTATGGTAGTATAGTGCTTATGAGTTATTCTACCGGCTAATGCGTTAGCTTTTTAAA[A>G]TGGTAACTATGTTTTTATAGTGTTAGATATCATGTAGATGAATTGCAAACTAAAGTTTTG-3'

ClinVar aggregate classification (germline): Benign. Review status: criteria provided, multiple submitters, no conflicts (2 of 4 stars). 2 submissions from 2 submitters: Benign (2). Last evaluated 2018-06-19.

Allele frequency attached by ClinVar (database versions not stated): TOPMed 0.74157; 1000 Genomes Project 30x 0.74266; gnomAD 0.74885 and 0.76086; 1000 Genomes Project 0.75719; gnomAD exomes 0.89492.

Submissions (2):

GeneDx
Classification: Benign. Last evaluated: 2018-06-19. Review status: criteria provided, single submitter. Criteria: GeneDx Variant Classification (06012015). Collection method: clinical testing. Allele origin: germline. Affected: yes.
Comment: This variant is considered likely benign or benign based on one or more of the following criteria: it is a conservative change, it occurs at a poorly conserved position in the protein, it is predicted to be benign by multiple in silico algorithms, and/or has population frequency not consistent with disease.

Breakthrough Genomics
Classification: Benign. Review status: criteria provided, single submitter. Criteria: ACMG Guidelines, 2015. Collection method: not provided. Allele origin: germline. Inheritance: Autosomal recessive inheritance. Affected: yes.